The following is an entry in ClinVar:

ClinVar aggregate classification (germline): Uncertain significance (1 of 4 stars; one submission).

Submission:

Ambry Genetics
Classification: Uncertain significance. Last evaluated: 2022-04-07. Review status: criteria provided, single submitter. Criteria: Ambry Variant Classification Scheme 2023. Collection method: clinical testing. Allele origin: germline.
Comment: The p.S545C variant (also known as c.1634C>G), located in coding exon 13 of the NPAT gene, results from a C to G substitution at nucleotide position 1634. The serine at codon 545 is replaced by cysteine, an amino acid with dissimilar properties. This amino acid position is conserved. In addition, this alteration is predicted to be tolerated by in silico analysis. Since supporting evidence is limited at this time, the clinical significance of this alteration remains unclear.

NM_002519.3(NPAT):c.1634C>G (p.Ser545Cys)

Gene: NPAT (nuclear protein, coactivator of histone transcription; minus strand). Cytogenetic location: 11q22.3.
Variant type: single nucleotide variant.
Coding change: c.1634C>G on transcript NM_002519.3 (MANE Select); coding-DNA position 1634, C replaced by G.
Protein change: p.Ser545Cys; replaces serine 545 with cysteine.
Molecular consequence: missense variant.
Genome position (GRCh38, 1-based): chr11:108,173,350, G>C on the plus strand (C>G on the coding strand, the complement: NPAT is on the minus strand). VCF-style: chr11-108173350-G-C. GRCh37 (hg19) VCF-style: chr11-108044077-G-C.
Other names: c.1634C>G, p.Ser545Cys (NM_001321307.1); short protein forms S545C.
Identifiers: ClinVar variation 1776894 (VCV001776894.2), dbSNP rs2134837461, ClinGen allele CA382514713.
Genomic context (GRCh38, chr11:108,173,350, plus strand): 5'-TGAAAATTAATTTTAAGTTTTACTGTATCATTAGAATTTTCACAAAATTGACTTTTTTTA[G>C]ATGGCTTTCCAGTTAATGAAGTATCTTGGGATAAAAGTTGAGAACTCTTCCCAGAGAGAA-3'
Protein context (NP_002510.2, residues 535-555): SQDTSLTGKP[Ser545Cys]KKSQFCENSN